The following is an entry in ClinVar:

NM_005214.5(CTLA4):c.487del (p.Leu163fs)

Gene: CTLA4 (cytotoxic T-lymphocyte associated protein 4; plus strand). Cytogenetic location: 2q33.2.
Variant type: Deletion.
Coding change: c.487del on transcript NM_005214.5 (MANE Select); coding-DNA position 487, one base deleted (C; older notation c.487delC).
Protein change: p.Leu163fs; shifts the reading frame from leucine 163.
Molecular consequence: frameshift variant. On other transcripts: intron variant (1).
Genome position (GRCh38, 1-based): chr2:203,871,407, C deleted; the last of 2 consecutive C bases (chr2:203,871,406-203,871,407); deleting either gives the same sequence. VCF-style (leftmost placement, unchanged base first): chr2-203871405-TC-T. GRCh37 (hg19) VCF-style: chr2-204736128-TC-T.
Other names: c.457+474del (NM_001037631.3); short protein forms L163fs.
Identifiers: ClinVar variation 871303 (VCV000871303.41), dbSNP rs1688730155, ClinGen allele CA1139657636.
Genomic context (GRCh38, chr2:203,871,405, plus strand): 5'-CTCAGGGAGGCTCTGCTTTGTTTTCTGTTGCAGATCCAGAACCGTGCCCAGATTCTGACT[TC>T]CTCCTCTGGATCCTTGCAGCAGTTAGTTCGGGGTTGTTTTTTTATAGCTTTCTCCTCACA-3'

ClinVar aggregate classification (germline): Pathogenic (1 of 4 stars; one submission).

Submission:

CeGaT Center for Human Genetics Tuebingen
Classification: Pathogenic. Last evaluated: 2025-07-01. Review status: criteria provided, single submitter. Criteria: CeGaT Center For Human Genetics Tuebingen Variant Classification Criteria Version 2. Collection method: clinical testing. Allele origin: germline. Affected: yes. Observed: 3 variant alleles.
Comment: CTLA4: PVS1, PM2, PS4:Moderate